The following is an entry in ClinVar:

NM_019098.5(CNGB3):c.1856T>C (p.Leu619Pro)

Gene: CNGB3 (cyclic nucleotide gated channel subunit beta 3; minus strand). Cytogenetic location: 8q21.3.
Variant type: single nucleotide variant.
Coding change: c.1856T>C on transcript NM_019098.5 (MANE Select); coding-DNA position 1856, T replaced by C.
Protein change: p.Leu619Pro; replaces leucine 619 with proline.
Molecular consequence: missense variant.
Genome position (GRCh38, 1-based): chr8:86,579,178, A>G on the plus strand (T>C on the coding strand, the complement: CNGB3 is on the minus strand). VCF-style: chr8-86579178-A-G. GRCh37 (hg19) VCF-style: chr8-87591406-A-G.
Other names: short protein forms L619P.
Identifiers: ClinVar variation 851098 (VCV000851098.12), dbSNP rs1358482909, ClinGen allele CA371447905.

ClinVar aggregate classification (germline): Conflicting classifications of pathogenicity. Review status: criteria provided, conflicting classifications (1 of 4 stars). 4 submissions from 4 submitters: Likely pathogenic (1); Uncertain significance (2). 1 of the submissions does not count toward it. Last evaluated 2025-11-26.

Conditions:
Achromatopsia. Also called: Rod monochromatism. Identifiers: Orphanet 49382, MedGen C0152200, MONDO:0018852, HP:0011516.
CNGB3-related disorder. Also called: CNGB3-related condition; CNGB3-related disorders. Identifiers: MedGen CN239340.
Achromatopsia 3 (ACHM3). Also called: ACHROMATOPSIA WITH MYOPIA; ROD MONOCHROMACY 1; ROD MONOCHROMATISM 1; PINGELAPESE BLINDNESS; TOTAL COLORBLINDNESS WITH MYOPIA. Identifiers: Orphanet 49382, MedGen C1849792, MONDO:0009875, OMIM 262300.

Allele frequency attached by ClinVar (database versions not stated): gnomAD 0.00001; gnomAD exomes 0.00001.
gnomAD v4.1: 20 of 1,614,032 alleles (0.0012%); highest among the groups gnomAD compares: Non-Finnish European, 0.0017%; no homozygotes.

Submissions (4):

Myriad Genetics, Inc.
Classification: Uncertain significance for Achromatopsia 3. Last evaluated: 2025-11-26. Review status: criteria provided, single submitter. Criteria: Myriad Autosomal Dominant, Autosomal Recessive and X-Linked Classification Criteria (2023). Collection method: clinical testing. Allele origin: unknown.
Comment: NM_019098.4(CNGB3):c.1856T>C(L619P) is a missense variant classified as a variant of uncertain significance in the context of achromatopsia, CNGB3-related. L619P has been observed in a case with relevant disease (PMID: 38219857). Relevant functional assessments of this variant are not available in the literature. L619P has not been observed in referenced population frequency databases. In summary, there is insufficient evidence to classify NM_019098.4(CNGB3):c.1856T>C(L619P) as pathogenic or benign. Please note: this variant was assessed in the context of healthy population screening.

Labcorp Genetics (formerly Invitae), Labcorp
Classification: Uncertain significance. Last evaluated: 2024-02-19. Review status: criteria provided, single submitter. Criteria: Invitae Variant Classification Sherloc (09022015). Collection method: clinical testing. Allele origin: germline.
Comment: This sequence change replaces leucine, which is neutral and non-polar, with proline, which is neutral and non-polar, at codon 619 of the CNGB3 protein (p.Leu619Pro). This variant is present in population databases (no rsID available, gnomAD 0.007%). This variant has not been reported in the literature in individuals affected with CNGB3-related conditions. ClinVar contains an entry for this variant (Variation ID: 851098). Advanced modeling of protein sequence and biophysical properties (such as structural, functional, and spatial information, amino acid conservation, physicochemical variation, residue mobility, and thermodynamic stability) performed at Invitae indicates that this missense variant is expected to disrupt CNGB3 protein function with a positive predictive value of 80%. In summary, the available evidence is currently insufficient to determine the role of this variant in disease. Therefore, it has been classified as a Variant of Uncertain Significance.

Blueprint Genetics
Classification: Likely pathogenic for CNGB3-related disorders. Last evaluated: 2020-10-19. Review status: criteria provided, single submitter. Criteria: ACMG Guidelines, 2015. Collection method: clinical testing. Allele origin: germline. Affected: yes. Observed: 4 variant alleles.

Natera, Inc.
Classification: Uncertain significance for Achromatopsia. Last evaluated: 2020-09-16. Review status: no assertion criteria provided. Collection method: clinical testing. Allele origin: germline. Not counted in ClinVar's aggregate classification.

Literature cited by the submitters: PubMed 38219857 (cited by Myriad Genetics, Inc.).